The following is an entry in ClinVar:

NM_003060.4(SLC22A5):c.1582A>C (p.Lys528Gln)

Gene: SLC22A5 (solute carrier family 22 member 5; plus strand). Cytogenetic location: 5q31.1.
Variant type: single nucleotide variant.
Coding change: c.1582A>C on transcript NM_003060.4 (MANE Select); coding-DNA position 1582, A replaced by C.
Protein change: p.Lys528Gln; replaces lysine 528 with glutamine.
Molecular consequence: missense variant.
Genome position (GRCh38, 1-based): chr5:132,393,807, A>C. VCF-style: chr5-132393807-A-C. GRCh37 (hg19) VCF-style: chr5-131729499-A-C.
Other names: c.1654A>C, p.Lys552Gln (NM_001308122.2); short protein forms K552Q, K528Q.
Identifiers: ClinVar variation 2197107 (VCV002197107.2), dbSNP rs1454981923, ClinGen allele CA360810059.

ClinVar aggregate classification (germline): Uncertain significance (1 of 4 stars; one submission).

Conditions:
Renal carnitine transport defect (CDSP). Also called: CARNITINE DEFICIENCY, SYSTEMIC, DUE TO DEFECT IN RENAL REABSORPTION OF CARNITINE; CARNITINE TRANSPORTER, PLASMA-MEMBRANE, DEFICIENCY OF; CARNITINE UPTAKE DEFECT; Primary carnitine deficiency; Systemic primary carnitine deficiency; Carnitine transporter deficiency. Identifiers: Orphanet 158, MedGen C0342788, MONDO:0008919, OMIM 212140.

Allele frequency attached by ClinVar (database versions not stated): gnomAD exomes 0.00001.
gnomAD v4.1: 8 of 1,614,186 alleles (0.0005%); highest among the groups gnomAD compares: Non-Finnish European, 0.00068%; no homozygotes.

Submission:

Labcorp Genetics (formerly Invitae), Labcorp
Classification: Uncertain significance for Renal carnitine transport defect. Last evaluated: 2024-08-12. Review status: criteria provided, single submitter. Criteria: Invitae Variant Classification Sherloc (09022015). Collection method: clinical testing. Allele origin: germline.
Comment: This sequence change replaces lysine, which is basic and polar, with glutamine, which is neutral and polar, at codon 528 of the SLC22A5 protein (p.Lys528Gln). This variant is present in population databases (no rsID available, gnomAD 0.0009%). This variant has not been reported in the literature in individuals affected with SLC22A5-related conditions. ClinVar contains an entry for this variant (Variation ID: 2197107). Advanced modeling of protein sequence and biophysical properties (such as structural, functional, and spatial information, amino acid conservation, physicochemical variation, residue mobility, and thermodynamic stability) has been performed at Invitae for this missense variant, however the output from this modeling did not meet the statistical confidence thresholds required to predict the impact of this variant on SLC22A5 protein function. In summary, the available evidence is currently insufficient to determine the role of this variant in disease. Therefore, it has been classified as a Variant of Uncertain Significance.